The following is an entry in ClinVar:

ClinVar aggregate classification (germline): Uncertain significance (1 of 4 stars; one submission).

Conditions:
Orofacial cleft 11 (OFC11). Also called: CLEFT LIP WITH OR WITHOUT CLEFT PALATE, NONSYNDROMIC, 11; Orofacial cleft 11; ofc11. Identifiers: MedGen C2677434, MONDO:0010906, OMIM 600625.
Microphthalmia with brain and digit anomalies (MCOPS6). Also called: MICROPHTHALMIA AND PITUITARY ANOMALIES; Microphthalmia, syndromic 6. Identifiers: Orphanet 139471, MedGen C1864689, MONDO:0011936, OMIM 607932.

gnomAD v4.1: 4 of 1,614,230 alleles (0.00025%); highest among the groups gnomAD compares: Non-Finnish European, 0.00025%; no homozygotes.

Submission:

Juno Genomics, Hangzhou Juno Genomics, Inc
Classification: Uncertain significance for Microphthalmia with brain and digit anomalies; Orofacial cleft 11. Review status: criteria provided, single submitter. Criteria: ACMG Guidelines, 2015. Collection method: clinical testing. Allele origin: germline.
Comment: Absent from controls (or at extremely low frequency if recessive) in Genome Aggregation Database.;Multiple lines of computational evidence support a deleterious effect on the gene or gene product.

NM_001202.6(BMP4):c.955G>A (p.Asp319Asn)

Gene: BMP4 (bone morphogenetic protein 4; minus strand). Cytogenetic location: 14q22.2.
Variant type: single nucleotide variant.
Coding change: c.955G>A on transcript NM_001202.6 (MANE Select); coding-DNA position 955, G replaced by A.
Protein change: p.Asp319Asn; replaces aspartic acid 319 with asparagine.
Molecular consequence: missense variant.
Genome position (GRCh38, 1-based): chr14:53,950,304, C>T on the plus strand (G>A on the coding strand, the complement: BMP4 is on the minus strand). VCF-style: chr14-53950304-C-T. GRCh37 (hg19) VCF-style: chr14-54417022-C-T.
Other names: c.1096G>A, p.Asp366Asn (NM_001347912.1); c.766G>A, p.Asp256Asn (NM_001347913.2, NM_001347915.2, NM_001347917.1); c.955G>A, p.Asp319Asn (NM_001347914.2, NM_001347916.1, NM_130850.5 and 1 more transcripts); short protein forms D319N, D366N, D256N.
Identifiers: ClinVar variation 5005325 (VCV005005325.2).